The following is an entry in ClinVar:

ClinVar aggregate classification (germline): Conflicting classifications of pathogenicity. Review status: criteria provided, conflicting classifications (1 of 4 stars). 3 submissions from 3 submitters: Uncertain significance (2); Likely benign (1). Last evaluated 2025-12-18.

Allele frequency attached by ClinVar (database versions not stated): gnomAD exomes 0.00002; ExAC 0.00003; gnomAD 0.00004; TOPMed 0.00004; ESP Exome Variant Server 0.00008.
gnomAD v4.1: 94 of 1,581,354 alleles (0.0059%); highest among the groups gnomAD compares: Non-Finnish European, 0.0077%; no homozygotes.

Submissions (3):

Labcorp Genetics (formerly Invitae), Labcorp
Classification: Uncertain significance. Last evaluated: 2025-12-18. Review status: criteria provided, single submitter. Criteria: Invitae Variant Classification Sherloc (09022015). Collection method: clinical testing. Allele origin: germline.
Comment: This sequence change replaces alanine, which is neutral and non-polar, with valine, which is neutral and non-polar, at codon 47 of the ZCCHC8 protein (p.Ala47Val). The frequency data for this variant in the population databases is considered unreliable, as metrics indicate poor data quality at this position in the gnomAD database. This variant has not been reported in the literature in individuals affected with ZCCHC8-related conditions. ClinVar contains an entry for this variant (Variation ID: 1404630). An algorithm developed to predict the effect of missense changes on protein structure and function outputs the following: PolyPhen-2: "Not Available". The valine amino acid residue is found in multiple mammalian species, which suggests that this missense change does not adversely affect protein function. In summary, the available evidence is currently insufficient to determine the role of this variant in disease. Therefore, it has been classified as a Variant of Uncertain Significance.

Ambry Genetics
Classification: Uncertain significance. Last evaluated: 2025-08-22. Review status: criteria provided, single submitter. Criteria: Ambry Variant Classification Scheme 2023. Collection method: clinical testing. Allele origin: germline.

Blueprint Genetics
Classification: Likely benign. Last evaluated: 2024-09-27. Review status: criteria provided, single submitter. Criteria: ACMG Guidelines, 2015. Collection method: clinical testing. Allele origin: germline.

NM_017612.5(ZCCHC8):c.140C>T (p.Ala47Val)

Gene: ZCCHC8 (zinc finger CCHC-type containing 8; minus strand). Cytogenetic location: 12q24.31.
Variant type: single nucleotide variant.
Coding change: c.140C>T on transcript NM_017612.5 (MANE Select); coding-DNA position 140, C replaced by T.
Protein change: p.Ala47Val; replaces alanine 47 with valine.
Molecular consequence: missense variant. On other transcripts: 5 prime UTR variant (3).
Genome position (GRCh38, 1-based): chr12:122,500,701, G>A on the plus strand (C>T on the coding strand, the complement: ZCCHC8 is on the minus strand). VCF-style: chr12-122500701-G-A. GRCh37 (hg19) VCF-style: chr12-122985248-G-A.
Other names: c.140C>T (NM_017612.3); c.140C>T, p.Ala47Val (NM_001350935.2); c.-784C>T (NM_001350936.2); c.-405C>T (NM_001350937.2); c.-299C>T (NM_001350938.2); short protein forms A47V.
Identifiers: ClinVar variation 1404630 (VCV001404630.11), dbSNP rs368512751, ClinGen allele CA6846526.